The following is an entry in ClinVar:

NM_002317.7(LOX):c.1213C>T (p.His405Tyr)

Genes: LOX (lysyl oxidase; minus strand), SRFBP1 (serum response factor binding protein 1; plus strand). Cytogenetic location: 5q23.1.
Variant type: single nucleotide variant.
Coding change: c.1213C>T on transcript NM_002317.7 (MANE Select); coding-DNA position 1213, C replaced by T.
Protein change: p.His405Tyr; replaces histidine 405 with tyrosine.
Molecular consequence: missense variant.
Genome position (GRCh38, 1-based): chr5:122,070,087, G>A on the plus strand (C>T on the coding strand, the complement: LOX is on the minus strand). VCF-style: chr5-122070087-G-A. GRCh37 (hg19) VCF-style: chr5-121405782-G-A.
Other names: c.523C>T, p.His175Tyr (NM_001178102.2); c.322C>T, p.His108Tyr (NM_001317073.1); short protein forms H405Y, H175Y, H108Y.
Identifiers: ClinVar variation 3700864 (VCV003700864.2).
Genomic context (GRCh38, chr5:122,070,087, plus strand): 5'-TACTTAGCTAAGCAAATAACACTTACGGTGAAATTGTGCAGCCTGAGGCATACGCATGAT[G>A]TCCTGTGTAGCGAATGTCACAGCGCACAACATTGTTGGTATAGTCAGATTCAGGAACCAG-3'
Protein context (NP_002308.2, residues 395-415): VVRCDIRYTG[His405Tyr]HAYASGCTIS

ClinVar aggregate classification (germline): Uncertain significance (1 of 4 stars; one submission).

Submission:

Labcorp Genetics (formerly Invitae), Labcorp
Classification: Uncertain significance. Last evaluated: 2024-05-09. Review status: criteria provided, single submitter. Criteria: Invitae Variant Classification Sherloc (09022015). Collection method: clinical testing. Allele origin: germline.
Comment: This sequence change replaces histidine, which is basic and polar, with tyrosine, which is neutral and polar, at codon 405 of the LOX protein (p.His405Tyr). This variant is present in population databases (rs752296113, gnomAD 0.0009%). This variant has not been reported in the literature in individuals affected with LOX-related conditions. Advanced modeling of protein sequence and biophysical properties (such as structural, functional, and spatial information, amino acid conservation, physicochemical variation, residue mobility, and thermodynamic stability) has been performed at Invitae for this missense variant, however the output from this modeling did not meet the statistical confidence thresholds required to predict the impact of this variant on LOX protein function. In summary, the available evidence is currently insufficient to determine the role of this variant in disease. Therefore, it has been classified as a Variant of Uncertain Significance.